The following is an entry in ClinVar:

NM_001084.5(PLOD3):c.1417C>T (p.Arg473Trp)

Gene: PLOD3 (procollagen-lysine,2-oxoglutarate 5-dioxygenase 3; minus strand). Cytogenetic location: 7q22.1.
Variant type: single nucleotide variant.
Coding change: c.1417C>T on transcript NM_001084.5 (MANE Select); coding-DNA position 1417, C replaced by T.
Protein change: p.Arg473Trp; replaces arginine 473 with tryptophan.
Molecular consequence: missense variant.
Genome position (GRCh38, 1-based): chr7:101,210,615, G>A on the plus strand (C>T on the coding strand, the complement: PLOD3 is on the minus strand). VCF-style: chr7-101210615-G-A. GRCh37 (hg19) VCF-style: chr7-100853896-G-A.
Other names: short protein forms R473W.
Identifiers: ClinVar variation 1349985 (VCV001349985.4), dbSNP rs770056635, ClinGen allele CA4407682.

ClinVar aggregate classification (germline): Uncertain significance (1 of 4 stars; one submission).

Allele frequency attached by ClinVar (database versions not stated): gnomAD exomes 0.00001 and 0.00002; TOPMed 0.00001; ExAC 0.00002.
gnomAD v4.1: 31 of 1,614,076 alleles (0.0019%); highest among the groups gnomAD compares: Non-Finnish European, 0.0025%; no homozygotes.

Submission:

Labcorp Genetics (formerly Invitae), Labcorp
Classification: Uncertain significance. Last evaluated: 2025-07-30. Review status: criteria provided, single submitter. Criteria: Invitae Variant Classification Sherloc (09022015). Collection method: clinical testing. Allele origin: germline.
Comment: This sequence change replaces arginine, which is basic and polar, with tryptophan, which is neutral and slightly polar, at codon 473 of the PLOD3 protein (p.Arg473Trp). This variant is present in population databases (rs770056635, gnomAD 0.0009%). This variant has not been reported in the literature in individuals affected with PLOD3-related conditions. ClinVar contains an entry for this variant (Variation ID: 1349985). Invitae Evidence Modeling of protein sequence and biophysical properties (such as structural, functional, and spatial information, amino acid conservation, physicochemical variation, residue mobility, and thermodynamic stability) indicates that this missense variant is expected to disrupt PLOD3 protein function with a positive predictive value of 80%. In summary, the available evidence is currently insufficient to determine the role of this variant in disease. Therefore, it has been classified as a Variant of Uncertain Significance.